The following is an entry in ClinVar:

ClinVar aggregate classification (germline): Uncertain significance. Review status: criteria provided, multiple submitters, no conflicts (2 of 4 stars). 2 submissions from 2 submitters: Uncertain significance (2). Last evaluated 2024-12-07.

gnomAD v4.1: 3 of 1,476,516 alleles (0.0002%); highest among the groups gnomAD compares: East Asian, 0.0025%; no homozygotes.

Submissions (2):

Ambry Genetics
Classification: Uncertain significance. Last evaluated: 2024-12-07. Review status: criteria provided, single submitter. Criteria: Ambry Variant Classification Scheme 2023. Collection method: clinical testing. Allele origin: germline.

Labcorp Genetics (formerly Invitae), Labcorp
Classification: Uncertain significance. Last evaluated: 2024-02-25. Review status: criteria provided, single submitter. Criteria: Invitae Variant Classification Sherloc (09022015). Collection method: clinical testing. Allele origin: germline.
Comment: This sequence change replaces glutamic acid, which is acidic and polar, with glycine, which is neutral and non-polar, at codon 460 of the ZCCHC8 protein (p.Glu460Gly). This variant is not present in population databases (gnomAD no frequency). This variant has not been reported in the literature in individuals affected with ZCCHC8-related conditions. Advanced modeling of protein sequence and biophysical properties (such as structural, functional, and spatial information, amino acid conservation, physicochemical variation, residue mobility, and thermodynamic stability) performed at Invitae indicates that this missense variant is not expected to disrupt ZCCHC8 protein function with a negative predictive value of 80%. In summary, the available evidence is currently insufficient to determine the role of this variant in disease. Therefore, it has been classified as a Variant of Uncertain Significance.

NM_017612.5(ZCCHC8):c.1379A>G (p.Glu460Gly)

Gene: ZCCHC8 (zinc finger CCHC-type containing 8; minus strand). Cytogenetic location: 12q24.31.
Variant type: single nucleotide variant.
Coding change: c.1379A>G on transcript NM_017612.5 (MANE Select); coding-DNA position 1379, A replaced by G.
Protein change: p.Glu460Gly; replaces glutamic acid 460 with glycine.
Molecular consequence: missense variant.
Genome position (GRCh38, 1-based): chr12:122,474,242, T>C on the plus strand (A>G on the coding strand, the complement: ZCCHC8 is on the minus strand). VCF-style: chr12-122474242-T-C. GRCh37 (hg19) VCF-style: chr12-122958789-T-C.
Other names: c.1379A>G (NM_017612.3); c.1148A>G, p.Glu383Gly (NM_001350935.2); c.1082A>G, p.Glu361Gly (NM_001350936.2); c.665A>G, p.Glu222Gly (NM_001350937.2, NM_001350938.2); short protein forms E361G, E383G, E460G, E222G.
Identifiers: ClinVar variation 2985698 (VCV002985698.4), dbSNP rs779084971, ClinGen allele CA387049408.